The following is an entry in ClinVar:

NM_152542.5(PPM1K):c.620G>A (p.Gly207Glu)

Gene: PPM1K (protein phosphatase, Mg2+/Mn2+ dependent 1K; minus strand). Cytogenetic location: 4q22.1.
Variant type: single nucleotide variant.
Coding change: c.620G>A on transcript NM_152542.5 (MANE Select); coding-DNA position 620, G replaced by A.
Protein change: p.Gly207Glu; replaces glycine 207 with glutamic acid.
Molecular consequence: missense variant.
Genome position (GRCh38, 1-based): chr4:88,268,828, C>T on the plus strand (G>A on the coding strand, the complement: PPM1K is on the minus strand). VCF-style: chr4-88268828-C-T. GRCh37 (hg19) VCF-style: chr4-89189980-C-T.
Other names: short protein forms G207E.
Identifiers: ClinVar variation 4716561 (VCV004716561.1).

ClinVar aggregate classification (germline): Uncertain significance (1 of 4 stars; one submission).

Conditions:
Maple syrup urine disease, mild variant (MSUDMV). Identifiers: Orphanet 511, MedGen C3554575, MONDO:0014057, OMIM 615135.

Submission:

Labcorp Genetics (formerly Invitae), Labcorp
Classification: Uncertain significance for Maple syrup urine disease, mild variant. Last evaluated: 2025-05-19. Review status: criteria provided, single submitter. Criteria: Invitae Variant Classification Sherloc (09022015). Collection method: clinical testing. Allele origin: germline.
Comment: This sequence change replaces glycine, which is neutral and non-polar, with glutamic acid, which is acidic and polar, at codon 207 of the PPM1K protein (p.Gly207Glu). This variant is not present in population databases (gnomAD no frequency). This variant has not been reported in the literature in individuals affected with PPM1K-related conditions. An algorithm developed to predict the effect of missense changes on protein structure and function (PolyPhen-2) suggests that this variant is likely to be disruptive. In summary, the available evidence is currently insufficient to determine the role of this variant in disease. Therefore, it has been classified as a Variant of Uncertain Significance.